The following is an entry in ClinVar:

NM_052947.4(ALPK2):c.1562G>C (p.Gly521Ala)

Gene: ALPK2 (alpha kinase 2; minus strand). Cytogenetic location: 18q21.31.
Variant type: single nucleotide variant.
Coding change: c.1562G>C on transcript NM_052947.4 (MANE Select); coding-DNA position 1562, G replaced by C.
Protein change: p.Gly521Ala; replaces glycine 521 with alanine.
Molecular consequence: missense variant.
Genome position (GRCh38, 1-based): chr18:58,579,214, C>G on the plus strand (G>C on the coding strand, the complement: ALPK2 is on the minus strand). VCF-style: chr18-58579214-C-G. GRCh37 (hg19) VCF-style: chr18-56246446-C-G.
Other names: short protein forms G521A.
Identifiers: ClinVar variation 1775294 (VCV001775294.2), dbSNP rs1318612749, ClinGen allele CA402562108.

ClinVar aggregate classification (germline): Uncertain significance (1 of 4 stars; one submission).

gnomAD v4.1: 4 of 1,614,108 alleles (0.00025%); highest among the groups gnomAD compares: East Asian, 0.0045%; no homozygotes.

Submission:

Ambry Genetics
Classification: Uncertain significance. Last evaluated: 2024-02-16. Review status: criteria provided, single submitter. Criteria: Ambry Variant Classification Scheme 2023. Collection method: clinical testing. Allele origin: germline.
Comment: The p.G521A variant (also known as c.1562G>C), located in coding exon 3 of the ALPK2 gene, results from a G to C substitution at nucleotide position 1562. The glycine at codon 521 is replaced by alanine, an amino acid with similar properties. This amino acid position is conserved. In addition, this alteration is predicted to be tolerated by in silico analysis. Since supporting evidence is limited at this time, the clinical significance of this alteration remains unclear.